The following is an entry in ClinVar:

NM_000377.3(WAS):c.250T>C (p.Phe84Leu)

Gene: WAS (WASP actin nucleation promoting factor; plus strand). Cytogenetic location: Xp11.23.
Variant type: single nucleotide variant.
Coding change: c.250T>C on transcript NM_000377.3 (MANE Select); coding-DNA position 250, T replaced by C.
Protein change: p.Phe84Leu; replaces phenylalanine 84 with leucine.
Molecular consequence: missense variant.
Genome position (GRCh38, 1-based): chrX:48,684,400, T>C. VCF-style: chrX-48684400-T-C. GRCh37 (hg19) VCF-style: chrX-48542789-T-C.
Other names: short protein forms F84L.
Identifiers: ClinVar variation 1067694 (VCV001067694.7), dbSNP rs2147262951, ClinGen allele CA412866605.

ClinVar aggregate classification (germline): Likely pathogenic (1 of 4 stars; one submission).

Conditions:
X-linked severe congenital neutropenia (SCNX). Identifiers: Orphanet 86788, MedGen C1845987, MONDO:0010294, OMIM 300299.
Thrombocytopenia 1. Also called: THROMBOCYTOPENIA, X-LINKED, 1; X-linked thrombocytopenia with normal platelets; X-Linked Thrombocytopenia (XLT). Identifiers: Orphanet 268322, Orphanet 852, MedGen C1839163, MONDO:0010743, OMIM 313900.
Wiskott-Aldrich syndrome (WAS). Also called: ALDRICH SYNDROME; IMMUNODEFICIENCY 2; WISKOTT-ALDRICH SYNDROME 1; Wiskott-aldrich syndrome, somatic. Identifiers: Orphanet 906, MedGen C0043194, MONDO:0010518, OMIM 301000.

Submission:

Labcorp Genetics (formerly Invitae), Labcorp
Classification: Likely pathogenic for Wiskott-Aldrich syndrome; X-linked severe congenital neutropenia; Thrombocytopenia 1. Last evaluated: 2020-04-27. Review status: criteria provided, single submitter. Criteria: Invitae Variant Classification Sherloc (09022015). Collection method: clinical testing. Allele origin: germline.
Comment: In summary, the currently available evidence indicates that the variant is pathogenic, but additional data are needed to prove that conclusively. Therefore, this variant has been classified as Likely Pathogenic. This variant has been reported to affect WAS protein function (PMID: 9683546, 19817875, 11442475). This variant has been observed in individual(s) with WAS-related conditions (PMID: 9683546, 11442475, 11167787, Invitae). It has also been observed to segregate with disease in related individuals. This variant is not present in population databases (ExAC no frequency). This sequence change replaces phenylalanine with leucine at codon 84 of the WAS protein (p.Phe84Leu). The phenylalanine residue is highly conserved and there is a small physicochemical difference between phenylalanine and leucine.

Literature cited by the submitters: PubMed 9683546; PubMed 19817875; PubMed 11442475; PubMed 11167787.